The following is an entry in ClinVar:

NM_004114.5(FGF13):c.17C>T (p.Ala6Val)

Gene: FGF13 (fibroblast growth factor 13; minus strand). Cytogenetic location: Xq26.3.
Variant type: single nucleotide variant.
Coding change: c.17C>T on transcript NM_004114.5 (MANE Select); coding-DNA position 17, C replaced by T.
Protein change: p.Ala6Val; replaces alanine 6 with valine.
Molecular consequence: missense variant. On other transcripts: intron variant (5).
Genome position (GRCh38, 1-based): chrX:138,710,987, G>A on the plus strand (C>T on the coding strand, the complement: FGF13 is on the minus strand). VCF-style: chrX-138710987-G-A. GRCh37 (hg19) VCF-style: chrX-137793149-G-A.
Other names: c.50-2059C>T (NM_001139498.2); c.218-2059C>T (NM_001139500.2); c.131-2059C>T (NM_001139501.2, NM_001139502.2); c.29-2059C>T (NM_033642.3); short protein forms A6V.
Identifiers: ClinVar variation 3384299 (VCV003384299.1).

ClinVar aggregate classification (germline): Uncertain significance (1 of 4 stars; one submission).

Submission:

GeneDx
Classification: Uncertain significance. Last evaluated: 2024-06-06. Review status: criteria provided, single submitter. Criteria: GeneDx Variant Classification Process June 2021. Collection method: clinical testing. Allele origin: germline. Affected: yes.
Comment: Not observed at significant frequency in large population cohorts (gnomAD); In silico analysis indicates that this missense variant does not alter protein structure/function; Has not been previously published as pathogenic or benign to our knowledge